The following is an entry in ClinVar:

NM_005883.3(APC2):c.1482C>T (p.Ile494=)

Gene: APC2 (APC regulator of Wnt signaling pathway 2; plus strand). Cytogenetic location: 19p13.3.
Variant type: single nucleotide variant.
Coding change: c.1482C>T on transcript NM_005883.3 (MANE Select); coding-DNA position 1482, C replaced by T.
Protein change: p.Ile494=; no amino-acid change (isoleucine 494 retained).
Molecular consequence: synonymous variant.
Genome position (GRCh38, 1-based): chr19:1,460,818, C>T. VCF-style: chr19-1460818-C-T. GRCh37 (hg19) VCF-style: chr19-1460817-C-T.
Other names: c.1479C>T, p.Ile493= (NM_001351273.1).
Identifiers: ClinVar variation 742138 (VCV000742138.5), dbSNP rs368821154, ClinGen allele CA9045117.
Genomic context (GRCh38, chr19:1,460,818, plus strand): 5'-CCGGCTGCATAACCCCCAACAGGCCACCCTGTGTGCGCGCCGCGGCTGCATGGAGGCCAT[C>T]GTGGCCCAGCTGGCCTCCGACAGTGAGGAGCTCCACCAGGTACAGGGCGGGGTGCTGGGA-3'
Protein context (NP_005874.1, residues 484-504): LCARRGCMEA[Ile494=]VAQLASDSEE

ClinVar aggregate classification (germline): Likely benign. Review status: criteria provided, multiple submitters, no conflicts (2 of 4 stars). 3 submissions from 3 submitters: Likely benign (2). 1 of the submissions does not count toward it. Last evaluated 2026-08-01.

Conditions:
APC2-related disorder. Also called: APC2-Related Disorders; APC2-related condition.

Allele frequency attached by ClinVar (database versions not stated): gnomAD 0.00002; TOPMed 0.00005.
gnomAD v4.1: 18 of 1,613,066 alleles (0.0011%); highest among the groups gnomAD compares: African/African-American, 0.0053%; no homozygotes.

Submissions (3):

CeGaT Center for Human Genetics Tuebingen
Classification: Likely benign. Last evaluated: 2026-08-01. Review status: criteria provided, single submitter. Criteria: CeGaT Center For Human Genetics Tuebingen Variant Classification Criteria Version 2. Collection method: clinical testing. Allele origin: germline. Affected: yes. Observed: 1 variant allele.
Comment: APC2: BP4, BP7

Labcorp Genetics (formerly Invitae), Labcorp
Classification: Likely benign. Last evaluated: 2018-05-02. Review status: criteria provided, single submitter. Criteria: Invitae Variant Classification Sherloc (09022015). Collection method: clinical testing. Allele origin: germline.

PreventionGenetics, part of Exact Sciences
Classification: Likely benign for APC2-related condition. Last evaluated: 2019-04-09. Review status: no assertion criteria provided. Collection method: clinical testing. Allele origin: germline. Not counted in ClinVar's aggregate classification.
Comment: This variant is classified as likely benign based on ACMG/AMP sequence variant interpretation guidelines (Richards et al. 2015 PMID: 25741868, with internal and published modifications).